The following is an entry in ClinVar:

ClinVar aggregate classification (germline): Uncertain significance/Uncertain risk allele. Review status: criteria provided, multiple submitters, no conflicts (2 of 4 stars). 5 submissions from 4 submitters: Uncertain significance (4); Uncertain risk allele (1). Last evaluated 2023-10-14.

Conditions:
Wolfram syndrome 1 (WFS1). Identifiers: Orphanet 3463, MedGen C4551693, MONDO:0009101, OMIM 222300.
WFS1-Related Spectrum Disorders.
Autosomal dominant nonsyndromic hearing loss 6 (LFSNHL). Also called: DEAFNESS, AUTOSOMAL DOMINANT 6; DEAFNESS, AUTOSOMAL DOMINANT 14; DEAFNESS, AUTOSOMAL DOMINANT 38; Autosomal dominant nonsyndromic deafness 6; DIDMOAD (Diabetes Insipidus, Diabetes Mellitus, Optic Atrophy, and Deafness). Identifiers: Orphanet 90635, MedGen C1833021, MONDO:0010963, OMIM 600965.

Allele frequency attached by ClinVar (database versions not stated): gnomAD 0.00001.
gnomAD v4.1: 4 of 1,586,102 alleles (0.00025%); highest among the groups gnomAD compares: Admixed American, 0.0036%; no homozygotes.

Submissions (5):

Labcorp Genetics (formerly Invitae), Labcorp
Classification: Uncertain significance. Last evaluated: 2023-10-14. Review status: criteria provided, single submitter. Criteria: Invitae Variant Classification Sherloc (09022015). Collection method: clinical testing. Allele origin: germline.
Comment: This sequence change replaces glutamic acid, which is acidic and polar, with lysine, which is basic and polar, at codon 39 of the WFS1 protein (p.Glu39Lys). The frequency data for this variant in the population databases is considered unreliable, as metrics indicate poor data quality at this position in the gnomAD database. This variant has not been reported in the literature in individuals affected with WFS1-related conditions. ClinVar contains an entry for this variant (Variation ID: 349304). Advanced modeling of protein sequence and biophysical properties (such as structural, functional, and spatial information, amino acid conservation, physicochemical variation, residue mobility, and thermodynamic stability) performed at Invitae indicates that this missense variant is not expected to disrupt WFS1 protein function. In summary, the available evidence is currently insufficient to determine the role of this variant in disease. Therefore, it has been classified as a Variant of Uncertain Significance.

Revvity Omics, Revvity
Classification: Uncertain significance. Last evaluated: 2022-03-15. Review status: criteria provided, single submitter. Criteria: ACMG Guidelines, 2015. Collection method: clinical testing. Allele origin: germline.

Illumina Laboratory Services, Illumina
Classification: Uncertain significance for Autosomal dominant nonsyndromic hearing loss 6. Last evaluated: 2018-01-13. Review status: criteria provided, single submitter. Criteria: ICSL Variant Classification Criteria 13 December 2019. Collection method: clinical testing. Allele origin: germline.

Illumina Laboratory Services, Illumina
Classification: Uncertain significance for WFS1-Related Spectrum Disorders. Last evaluated: 2018-01-13. Review status: criteria provided, single submitter. Criteria: ICSL Variant Classification Criteria 13 December 2019. Collection method: clinical testing. Allele origin: germline.

Clinical Genomics, Uppaluri K&H Personalized Medicine Clinic
Classification: Uncertain risk allele for Wolfram syndrome 1. Review status: criteria provided, single submitter. Criteria: K & H Uppaluri Personalized Medicine Clinic Variant Classification & Assertion Criteria_Updated V.1. Collection method: research. Allele origin: unknown. Inheritance: Autosomal recessive inheritance.
Comment: Potent mutations in WFS1 gene are associated with Wolfram's syndrome, an autosomal recessive condition, which cause diabetes mellitus, diabetes insipidus, deafness and optic atrophy. However no sufficient evidence is found to ascertain the role of this particular variant rs774330485 in Wolfram's syndrome yet.

Literature cited by the submitters: PubMed 20738327 (cited by Clinical Genomics, Uppaluri K&H Personalized Medicine Clinic); PubMed 33879153 (cited by Clinical Genomics, Uppaluri K&H Personalized Medicine Clinic); PubMed 12955714 (cited by Clinical Genomics, Uppaluri K&H Personalized Medicine Clinic); PubMed 18060660 (cited by Clinical Genomics, Uppaluri K&H Personalized Medicine Clinic); PubMed 20301750 (cited by Clinical Genomics, Uppaluri K&H Personalized Medicine Clinic); PubMed 17603484 (cited by Clinical Genomics, Uppaluri K&H Personalized Medicine Clinic).

NM_006005.3(WFS1):c.115G>A (p.Glu39Lys)

Gene: WFS1 (wolframin ER transmembrane glycoprotein; plus strand). Cytogenetic location: 4p16.1.
Variant type: single nucleotide variant.
Coding change: c.115G>A on transcript NM_006005.3 (MANE Select); coding-DNA position 115, G replaced by A.
Protein change: p.Glu39Lys; replaces glutamic acid 39 with lysine.
Molecular consequence: missense variant.
Genome position (GRCh38, 1-based): chr4:6,277,570, G>A. VCF-style: chr4-6277570-G-A. GRCh37 (hg19) VCF-style: chr4-6279297-G-A.
Other names: c.115G>A, p.Glu39Lys (NM_001145853.1); short protein forms E39K.
Identifiers: ClinVar variation 349304 (VCV000349304.11), dbSNP rs774330485, ClinGen allele CA10621472.
Genomic context (GRCh38, chr4:6,277,570, plus strand): 5'-CCGCAGCCCCAGGCGCGTTCCCGACTCAATGCCACAGCCTCGTTGGAGCAGGAGAGGAGC[G>A]AAAGGCCCCGAGCACCCGGACCCCAGGCTGGCCCTGGCCCTGGTGTTAGAGACGCAGCGG-3'
Protein context (NP_005996.2, residues 29-49): ATASLEQERS[Glu39Lys]RPRAPGPQAG